The following is an entry in ClinVar:

NM_000179.3(MSH6):c.2304_2326del (p.Phe769fs)

Gene: MSH6 (mutS homolog 6; plus strand). Cytogenetic location: 2p16.3.
Variant type: Deletion.
Coding change: c.2304_2326del on transcript NM_000179.3 (MANE Select); coding-DNA positions 2304 to 2326, 23 bases deleted (TTTTGGTAAGCGGCTCCTAAAGC).
Protein change: p.Phe769fs; shifts the reading frame from phenylalanine 769.
Molecular consequence: frameshift variant.
Genome position (GRCh38, 1-based): chr2:47,800,287-47,800,309, TTTTGGTAAGCGGCTCCTAAAGC deleted; deleting any 23 consecutive bases within chr2:47,800,286-47,800,309 gives the same sequence; the c. name uses the placement nearest the transcript's 3' end. VCF-style (leftmost placement, unchanged base first): chr2-47800285-CCTTTTGGTAAGCGGCTCCTAAAG-C. GRCh37 (hg19) VCF-style: chr2-48027424-CCTTTTGGTAAGCGGCTCCTAAAG-C.
Other names: c.1914_1936del, p.Phe639fs (NM_001281492.2); c.1398_1420del, p.Phe467fs (NM_001281493.2, NM_001281494.2); c.2400_2422del23, p.Phe801Metfs (NM_001406795.1, NM_001406802.1); c.2304_2326del23, p.Phe769Metfs (NM_001406796.1, NM_001406798.1, NM_001406800.1 and 2 more transcripts); c.2007_2029del23, p.Phe670Metfs (NM_001406797.1, NM_001406801.1, NM_001406805.1 and 10 more transcripts); c.1779_1801del23, p.Phe594Metfs (NM_001406799.1, NM_001406806.1, NM_001406807.1); c.2226_2248del23, p.Phe743Metfs (NM_001406804.1); c.1398_1420del23, p.Phe467Metfs (NM_001406811.1, NM_001406812.1, NM_001406814.1 and 4 more transcripts); and 2 more; short protein forms F769fs, F639fs, F467fs.
Identifiers: ClinVar variation 1789329 (VCV001789329.2), dbSNP rs2530663825, ClinGen allele CA2580067820.
Genomic context (GRCh38, chr2:47,800,285, plus strand): 5'-AATGGAACAAATGGTTCTACTGAAGGAACCCTACTAGAGAGGGTTGATACTTGCCATACT[CCTTTTGGTAAGCGGCTCCTAAAG>C]CAATGGCTTTGTGCCCCACTCTGTAACCATTATGCTATTAATGATCGTCTAGATGCCATA-3'

ClinVar aggregate classification (germline): Pathogenic (1 of 4 stars; one submission).

Conditions:
Hereditary cancer-predisposing syndrome. Also called: Hereditary Cancer Syndrome; Hereditary neoplastic syndrome; Tumor predisposition; Neoplastic Syndromes, Hereditary. Identifiers: Orphanet 140162, MedGen C0027672, MeSH D009386, MONDO:0015356.

Submission:

Ambry Genetics
Classification: Pathogenic for Hereditary cancer-predisposing syndrome. Last evaluated: 2019-05-30. Review status: criteria provided, single submitter. Criteria: Ambry Variant Classification Scheme 2023. Collection method: clinical testing. Allele origin: germline.
Comment: The c.2304_2326del23 pathogenic mutation, located in coding exon 4 of the MSH6 gene, results from a deletion of 23 nucleotides at nucleotide positions 2304 to 2326, causing a translational frameshift with a predicted alternate stop codon (p.F769Mfs*8). This alteration is expected to result in loss of function by premature protein truncation or nonsense-mediated mRNA decay. As such, this alteration is interpreted as a disease-causing mutation.